The following is an entry in ClinVar:

ClinVar aggregate classification (germline): Uncertain significance (1 of 4 stars; one submission).

Conditions:
Beckwith-Wiedemann syndrome (BWS). Also called: EMG SYNDROME; Exomphalos macroglossia gigantism syndrome. Identifiers: Orphanet 116, MedGen C0004903, MONDO:0007534, OMIM 130650.

Submission:

Labcorp Genetics (formerly Invitae), Labcorp
Classification: Uncertain significance for Beckwith-Wiedemann syndrome. Last evaluated: 2022-07-19. Review status: criteria provided, single submitter. Criteria: Invitae Variant Classification Sherloc (09022015). Collection method: clinical testing. Allele origin: germline.
Comment: Algorithms developed to predict the effect of missense changes on protein structure and function are either unavailable or do not agree on the potential impact of this missense change (SIFT: "Tolerated"; PolyPhen-2: "Not Available"; Align-GVGD: "Class C0"). This variant has not been reported in the literature in individuals affected with CDKN1C-related conditions. The frequency data for this variant in the population databases is considered unreliable, as metrics indicate insufficient coverage at this position in the gnomAD database. This sequence change replaces alanine, which is neutral and non-polar, with aspartic acid, which is acidic and polar, at codon 209 of the CDKN1C protein (p.Ala209Asp). In summary, the available evidence is currently insufficient to determine the role of this variant in disease. Therefore, it has been classified as a Variant of Uncertain Significance.

NM_001122630.2(CDKN1C):c.593C>A (p.Ala198Asp)

Gene: CDKN1C (cyclin dependent kinase inhibitor 1C; minus strand). Cytogenetic location: 11p15.4.
Variant type: single nucleotide variant.
Coding change: c.593C>A on transcript NM_001122630.2 (MANE Select); coding-DNA position 593, C replaced by A.
Protein change: p.Ala198Asp; replaces alanine 198 with aspartic acid.
Molecular consequence: missense variant. On other transcripts: intron variant (1).
Genome position (GRCh38, 1-based): chr11:2,884,864, G>T on the plus strand (C>A on the coding strand, the complement: CDKN1C is on the minus strand). VCF-style: chr11-2884864-G-T. GRCh37 (hg19) VCF-style: chr11-2906094-G-T.
Other names: c.626C>A, p.Ala209Asp (NM_000076.2, NM_001362474.2); c.593C>A, p.Ala198Asp (NM_001122631.2); c.255+338C>A (NM_001362475.2); short protein forms A198D, A209D.
Identifiers: ClinVar variation 2417543 (VCV002417543.5), dbSNP rs1564929680, ClinGen allele CA379146241.